The following is an entry in ClinVar:

ClinVar aggregate classification (germline): Uncertain significance (1 of 4 stars; one submission).

Submission:

Labcorp Genetics (formerly Invitae), Labcorp
Classification: Uncertain significance. Last evaluated: 2023-01-05. Review status: criteria provided, single submitter. Criteria: Invitae Variant Classification Sherloc (09022015). Collection method: clinical testing. Allele origin: germline.
Comment: This sequence change replaces asparagine, which is neutral and polar, with aspartic acid, which is acidic and polar, at codon 3222 of the DCHS1 protein (p.Asn3222Asp). This variant is not present in population databases (gnomAD no frequency). In summary, the available evidence is currently insufficient to determine the role of this variant in disease. Therefore, it has been classified as a Variant of Uncertain Significance. Advanced modeling of protein sequence and biophysical properties (such as structural, functional, and spatial information, amino acid conservation, physicochemical variation, residue mobility, and thermodynamic stability) performed at Invitae indicates that this missense variant is not expected to disrupt DCHS1 protein function. This variant has not been reported in the literature in individuals affected with DCHS1-related conditions.

NM_003737.4(DCHS1):c.9664A>G (p.Asn3222Asp)

Gene: DCHS1 (dachsous cadherin-related 1; minus strand). Cytogenetic location: 11p15.4.
Variant type: single nucleotide variant.
Coding change: c.9664A>G on transcript NM_003737.4 (MANE Select); coding-DNA position 9664, A replaced by G.
Protein change: p.Asn3222Asp; replaces asparagine 3222 with aspartic acid.
Molecular consequence: missense variant.
Genome position (GRCh38, 1-based): chr11:6,622,012, T>C on the plus strand (A>G on the coding strand, the complement: DCHS1 is on the minus strand). VCF-style: chr11-6622012-T-C. GRCh37 (hg19) VCF-style: chr11-6643243-T-C.
Other names: short protein forms N3222D.
Identifiers: ClinVar variation 2825019 (VCV002825019.3), dbSNP rs2493807741, ClinGen allele CA379478285.